The following is an entry in ClinVar:

ClinVar aggregate classification (germline): Likely benign (1 of 4 stars; one submission).

Submission:

CeGaT Center for Human Genetics Tuebingen
Classification: Likely benign. Last evaluated: 2022-10-01. Review status: criteria provided, single submitter. Criteria: CeGaT Center For Human Genetics Tuebingen Variant Classification Criteria Version 2. Collection method: clinical testing. Allele origin: germline. Affected: yes. Observed: 1 variant allele.
Comment: RUSC2: PM2:Supporting, BP4, BP7

NM_014806.5(RUSC2):c.174C>T (p.Asp58=)

Gene: RUSC2 (RUN and SH3 domain containing 2; plus strand). Cytogenetic location: 9p13.3.
Variant type: single nucleotide variant.
Coding change: c.174C>T on transcript NM_014806.5 (MANE Select); coding-DNA position 174, C replaced by T.
Protein change: p.Asp58=; no amino-acid change (aspartic acid 58 retained).
Molecular consequence: synonymous variant. On other transcripts: non-coding transcript variant (1), intron variant (1).
Genome position (GRCh38, 1-based): chr9:35,546,695, C>T. VCF-style: chr9-35546695-C-T. GRCh37 (hg19) VCF-style: chr9-35546692-C-T.
Other names: c.-620-8365C>T (NM_001330740.2); c.174C>T, p.Asp58= (NM_001135999.2).
Identifiers: ClinVar variation 2659176 (VCV002659176.24), dbSNP rs2490379083, ClinGen allele CA464605841.